The following is an entry in ClinVar:

NM_206937.2(LIG4):c.374_375del (p.Phe125fs)

Gene: LIG4 (DNA ligase 4; minus strand). Cytogenetic location: 13q33.3.
Variant type: Deletion.
Coding change: c.374_375del on transcript NM_206937.2 (MANE Select); coding-DNA positions 374 to 375, 2 bases deleted (TT; older notation c.374_375delTT).
Protein change: p.Phe125fs; shifts the reading frame from phenylalanine 125.
Molecular consequence: frameshift variant.
Genome position (GRCh38, 1-based): chr13:108,210,894-108,210,895, AA deleted on the plus strand (TT on the coding strand, the reverse complement: LIG4 is on the minus strand); deleting any 2 consecutive bases within chr13:108,210,894-108,210,896 gives the same sequence; the c. name uses the placement nearest the transcript's 3' end. VCF-style (leftmost placement, unchanged base first): chr13-108210893-CAA-C. GRCh37 (hg19) VCF-style: chr13-108863241-CAA-C.
Other names: c.374_375del, p.Phe125fs (NM_001098268.2, NM_001352598.2, NM_001352599.2 and 6 more transcripts); c.173_174del, p.Phe58fs (NM_001330595.2); c.410_411del, p.Phe137fs (NM_001352604.2); short protein forms F125fs, F137fs, F58fs.
Identifiers: ClinVar variation 2749009 (VCV002749009.3), dbSNP rs2501624726, ClinGen allele CA2623644559.

ClinVar aggregate classification (germline): Pathogenic (1 of 4 stars; one submission).

Conditions:
DNA ligase IV deficiency. Identifiers: Orphanet 99812, MedGen C1847827, MONDO:0011686, OMIM 606593.

Submission:

Labcorp Genetics (formerly Invitae), Labcorp
Classification: Pathogenic for DNA ligase IV deficiency. Last evaluated: 2024-10-02. Review status: criteria provided, single submitter. Criteria: Invitae Variant Classification Sherloc (09022015). Collection method: clinical testing. Allele origin: germline.
Comment: This sequence change creates a premature translational stop signal (p.Phe125Cysfs*34) in the LIG4 gene. While this is not anticipated to result in nonsense mediated decay, it is expected to disrupt the last 787 amino acid(s) of the LIG4 protein. This variant is not present in population databases (gnomAD no frequency). This variant has not been reported in the literature in individuals affected with LIG4-related conditions. This variant disrupts a region of the LIG4 protein in which other variant(s) (p.Arg814*) have been determined to be pathogenic (PMID: 11779494, 16088910, 24123394, 25239263, 27063650, 27612988). This suggests that this is a clinically significant region of the protein, and that variants that disrupt it are likely to be disease-causing. For these reasons, this variant has been classified as Pathogenic.

Literature cited by the submitters: PubMed 11779494; PubMed 16088910; PubMed 24123394; PubMed 25239263; PubMed 27063650; PubMed 27612988.